The following is an entry in ClinVar:

NM_020631.6(PLEKHG5):c.439+12C>G

Gene: PLEKHG5 (pleckstrin homology and RhoGEF domain containing G5; minus strand). Cytogenetic location: 1p36.31.
Variant type: single nucleotide variant.
Coding change: c.439+12C>G on transcript NM_020631.6 (MANE Select); 12 bases into the intron after coding-DNA position 439, C replaced by G.
Molecular consequence: intron variant.
Genome position (GRCh38, 1-based): chr1:6,474,439, G>C on the plus strand (C>G on the coding strand, the complement: PLEKHG5 is on the minus strand). VCF-style: chr1-6474439-G-C. GRCh37 (hg19) VCF-style: chr1-6534499-G-C.
Other names: c.439+12C>G (NM_198681.4, NM_001265594.3, NM_001042664.2 and 1 more transcripts); c.550+12C>G (NM_001042663.3, NM_001265592.2); c.646+12C>G (NM_001265593.2).
Identifiers: ClinVar variation 297973 (VCV000297973.13), dbSNP rs778853521, ClinGen allele CA561860.

ClinVar aggregate classification (germline): Conflicting classifications of pathogenicity. Review status: criteria provided, conflicting classifications (1 of 4 stars). 3 submissions from 3 submitters: Uncertain significance (1); Likely benign (2). Last evaluated 2025-12-03.

Conditions:
Charcot-Marie-Tooth disease recessive intermediate C. Also called: CHARCOT-MARIE-TOOTH NEUROPATHY, RECESSIVE INTERMEDIATE C. Identifiers: Orphanet 369867, MedGen C3809309, MONDO:0014154, OMIM 615376.
Neuronopathy, distal hereditary motor, autosomal recessive 4. Also called: Autosomal recessive lower motor neuron disease with childhood onset; NEUROPATHY, DISTAL HEREDITARY MOTOR, AUTOSOMAL RECESSIVE 4. Identifiers: Orphanet 206580, MedGen C1970211, MONDO:0012608, OMIM 611067.

Allele frequency attached by ClinVar (database versions not stated): gnomAD exomes 0.00002 and 0.00004; ExAC 0.00003; gnomAD 0.00006 and 0.00007; TOPMed 0.00008.
gnomAD v4.1: 67 of 1,613,514 alleles (0.0042%); highest among the groups gnomAD compares: Admixed American, 0.0067%; no homozygotes.

Submissions (3):

Labcorp Genetics (formerly Invitae), Labcorp
Classification: Likely benign for Neuronopathy, distal hereditary motor, autosomal recessive 4; Charcot-Marie-Tooth disease recessive intermediate C. Last evaluated: 2025-12-03. Review status: criteria provided, single submitter. Criteria: Invitae Variant Classification Sherloc (09022015). Collection method: clinical testing. Allele origin: germline.

Illumina Laboratory Services, Illumina
Classification: Uncertain significance for Neuronopathy, distal hereditary motor, autosomal recessive 4. Last evaluated: 2018-01-13. Review status: criteria provided, single submitter. Criteria: ICSL Variant Classification Criteria 13 December 2019. Collection method: clinical testing. Allele origin: germline.

GeneDx
Classification: Likely benign. Last evaluated: 2016-07-15. Review status: criteria provided, single submitter. Criteria: GeneDx Variant Classification (06012015). Collection method: clinical testing. Allele origin: germline. Affected: yes.
Comment: This variant is considered likely benign or benign based on one or more of the following criteria: it is a conservative change, it occurs at a poorly conserved position in the protein, it is predicted to be benign by multiple in silico algorithms, and/or has population frequency not consistent with disease.